The following is an entry in ClinVar:

ClinVar aggregate classification (germline): Pathogenic (1 of 4 stars; one submission).

Conditions:
Long QT syndrome (LQTS). Identifiers: MedGen C0023976, MeSH D008133, MONDO:0002442. Disease mechanism: loss of function. Inheritance: Various modes of inheritance.

Submission:

Labcorp Genetics (formerly Invitae), Labcorp
Classification: Pathogenic for Long QT syndrome. Last evaluated: 2022-05-27. Review status: criteria provided, single submitter. Criteria: Invitae Variant Classification Sherloc (09022015). Collection method: clinical testing. Allele origin: germline.
Comment: For these reasons, this variant has been classified as Pathogenic. Algorithms developed to predict the effect of missense changes on protein structure and function (SIFT, PolyPhen-2, Align-GVGD) all suggest that this variant is likely to be disruptive. ClinVar contains an entry for this variant (Variation ID: 457133). This variant is also known as p.Asn32Lys. This missense change has been observed in individuals with autosomal dominant CAV3-related conditions (PMID: 15564037, 15580566, 27061274, 31127727). It has also been observed to segregate with disease in related individuals. This variant is not present in population databases (gnomAD no frequency). This sequence change replaces asparagine, which is neutral and polar, with lysine, which is basic and polar, at codon 33 of the CAV3 protein (p.Asn33Lys).

Literature cited by the submitters: PubMed 15564037; PubMed 15580566; PubMed 27061274; PubMed 31127727.

NM_033337.3(CAV3):c.99C>A (p.Asn33Lys)

Gene: CAV3 (caveolin 3; plus strand). Cytogenetic location: 3p25.3.
Variant type: single nucleotide variant.
Coding change: c.99C>A on transcript NM_033337.3 (MANE Select); coding-DNA position 99, C replaced by A.
Protein change: p.Asn33Lys; replaces asparagine 33 with lysine.
Molecular consequence: missense variant.
Genome position (GRCh38, 1-based): chr3:8,733,975, C>A. VCF-style: chr3-8733975-C-A. GRCh37 (hg19) VCF-style: chr3-8775661-C-A.
Other names: c.99C>A, p.Asn33Lys (NM_001234.5); short protein forms N33K.
Identifiers: ClinVar variation 457133 (VCV000457133.5), dbSNP rs1008642, ClinGen allele CA351661574.